The following is an entry in ClinVar:

NM_001109878.2(TBX22):c.919G>A (p.Asp307Asn)

Gene: TBX22 (T-box transcription factor 22). Cytogenetic location: Xq21.1.
Variant type: single nucleotide variant.
Coding change: c.919G>A on transcript NM_001109878.2 (MANE Select); coding-DNA position 919, G replaced by A.
Protein change: p.Asp307Asn; replaces aspartic acid 307 with asparagine.
Molecular consequence: missense variant.
Genome position (GRCh38, 1-based): chrX:80,028,046, G>A. VCF-style: chrX-80028046-G-A. GRCh37 (hg19) VCF-style: chrX-79283545-G-A.
Other names: c.559G>A, p.Asp187Asn (NM_001109879.2, NM_001303475.1); c.919G>A, p.Asp307Asn (NM_016954.2); short protein forms D187N, D307N.
Identifiers: ClinVar variation 5019803 (VCV005019803.2).

ClinVar aggregate classification (germline): Uncertain significance (1 of 4 stars; one submission).

Conditions:
Cleft palate with or without ankyloglossia, X-linked. Identifiers: Orphanet 324601, MedGen C1844830, MONDO:0010560, OMIM 303400.
Abruzzo-Erickson syndrome. Also called: CHARGE like syndrome X-linked. Identifiers: Orphanet 921, MedGen C1844862, MONDO:0010554, OMIM 302905.

gnomAD v4.1: 17 of 1,209,090 alleles (0.0014%); highest among the groups gnomAD compares: Admixed American, 0.0044%; no homozygotes.

Submission:

Juno Genomics, Hangzhou Juno Genomics, Inc
Classification: Uncertain significance for Abruzzo-Erickson syndrome; Cleft palate with or without ankyloglossia, X-linked. Review status: criteria provided, single submitter. Criteria: ACMG Guidelines, 2015. Collection method: clinical testing. Allele origin: germline.
Comment: Absent from controls (or at extremely low frequency if recessive) in Genome Aggregation Database.;Multiple lines of computational evidence support a deleterious effect on the gene or gene product.